The following is an entry in ClinVar:

NM_001384140.1(PCDH15):c.1730G>A (p.Arg577Gln)

Gene: PCDH15 (protocadherin related 15; minus strand). Cytogenetic location: 10q21.1.
Variant type: single nucleotide variant.
Coding change: c.1730G>A on transcript NM_001384140.1 (MANE Select); coding-DNA position 1730, G replaced by A.
Protein change: p.Arg577Gln; replaces arginine 577 with glutamine.
Molecular consequence: missense variant.
Genome position (GRCh38, 1-based): chr10:54,153,154, C>T on the plus strand (G>A on the coding strand, the complement: PCDH15 is on the minus strand). VCF-style: chr10-54153154-C-T. GRCh37 (hg19) VCF-style: chr10-55912914-C-T.
Other names: c.1730G>A (NM_033056.3); c.1745G>A, p.Arg582Gln (NM_001142763.2, NM_001142771.2); c.1730G>A, p.Arg577Gln (NM_001142764.2, NM_001142765.2, NM_001142766.2 and 6 more transcripts); c.1619G>A, p.Arg540Gln (NM_001142767.2); c.1664G>A, p.Arg555Gln (NM_001142768.2, NM_001142773.2, NM_001354404.2); c.1766G>A, p.Arg589Gln (NM_001142769.4); c.1751G>A, p.Arg584Gln (NM_001354411.2); short protein forms R582Q, R584Q, R540Q, R589Q, R555Q, R577Q.
Identifiers: ClinVar variation 1042107 (VCV001042107.9), dbSNP rs753457449, ClinGen allele CA207216973.

ClinVar aggregate classification (germline): Uncertain significance. Review status: criteria provided, multiple submitters, no conflicts (2 of 4 stars). 4 submissions from 4 submitters: Uncertain significance (3). 1 of the submissions does not count toward it. Last evaluated 2026-08-20.

Conditions:
Inborn genetic diseases. Identifiers: MedGen C0950123, MeSH D030342.
Usher syndrome type 1F (USH1F). Also called: USHER SYNDROME, TYPE IF. Identifiers: Orphanet 231169, Orphanet 886, MedGen C1865885, MONDO:0011186, OMIM 602083.

Allele frequency attached by ClinVar (database versions not stated): gnomAD 0.00005 and 0.00006; TOPMed 0.00006.
gnomAD v4.1: 32 of 1,613,754 alleles (0.002%); highest among the groups gnomAD compares: African/African-American, 0.012%; no homozygotes.

Submissions (4):

GeneDx
Classification: Uncertain significance. Last evaluated: 2026-08-20. Review status: criteria provided, single submitter. Criteria: GeneDx Variant Classification Process June 2021. Collection method: clinical testing. Allele origin: germline.
Comment: In silico analysis suggests that this missense variant does not alter protein structure/function; Has not been previously published as pathogenic or benign to our knowledge

Ambry Genetics
Classification: Uncertain significance for Inborn genetic diseases. Last evaluated: 2025-03-28. Review status: criteria provided, single submitter. Criteria: Ambry Variant Classification Scheme 2023. Collection method: clinical testing. Allele origin: germline.

Labcorp Genetics (formerly Invitae), Labcorp
Classification: Uncertain significance. Last evaluated: 2024-12-21. Review status: criteria provided, single submitter. Criteria: Invitae Variant Classification Sherloc (09022015). Collection method: clinical testing. Allele origin: germline.
Comment: This sequence change replaces arginine, which is basic and polar, with glutamine, which is neutral and polar, at codon 577 of the PCDH15 protein (p.Arg577Gln). This variant is present in population databases (no rsID available, gnomAD 0.008%). This variant has not been reported in the literature in individuals affected with PCDH15-related conditions. ClinVar contains an entry for this variant (Variation ID: 1042107). Invitae Evidence Modeling of protein sequence and biophysical properties (such as structural, functional, and spatial information, amino acid conservation, physicochemical variation, residue mobility, and thermodynamic stability) indicates that this missense variant is not expected to disrupt PCDH15 protein function with a negative predictive value of 95%. In summary, the available evidence is currently insufficient to determine the role of this variant in disease. Therefore, it has been classified as a Variant of Uncertain Significance.

Natera, Inc.
Classification: Uncertain significance for Usher syndrome type 1F. Last evaluated: 2020-06-18. Review status: no assertion criteria provided. Collection method: clinical testing. Allele origin: germline. Not counted in ClinVar's aggregate classification.